The following is an entry in ClinVar:

NM_001037.5(SCN1B):c.254del (p.Arg85fs)

Gene: SCN1B (sodium voltage-gated channel beta subunit 1; plus strand). Cytogenetic location: 19q13.11.
Variant type: Deletion.
Coding change: c.254del on transcript NM_001037.5 (MANE Select); coding-DNA position 254, one base deleted (G; older notation c.254delG).
Protein change: p.Arg85fs; shifts the reading frame from arginine 85.
Molecular consequence: frameshift variant.
Genome position (GRCh38, 1-based): chr19:35,033,545, G deleted. VCF-style (leftmost placement, unchanged base first): chr19-35033544-CG-C. GRCh37 (hg19) VCF-style: chr19-35524448-CG-C.
Other names: c.155del, p.Arg52fs (NM_001321605.2); c.254del, p.Arg85fs (NM_199037.5); short protein forms R52fs, R85fs.
Identifiers: ClinVar variation 2629905 (VCV002629905.2), dbSNP rs2514234381, ClinGen allele CA2695198169.

ClinVar aggregate classification (germline): Uncertain significance (1 of 4 stars; one submission).

Conditions:
SCN1B-related disorder. Also called: SCN1B-related condition; SCN1B-Related Disorders.

Submission:

PreventionGenetics, part of Exact Sciences
Classification: Uncertain significance for SCN1B-related condition. Last evaluated: 2026-01-02. Review status: criteria provided, single submitter. Criteria: ACMG Guidelines, 2015. Collection method: clinical testing. Allele origin: germline.
Comment: The SCN1B c.254delG variant is predicted to result in a frameshift and premature protein termination (p.Arg85Profs*62). To our knowledge, this variant has not been reported in the literature or in a large population database (gnomAD), indicating this variant is rare. At this time, the clinical significance of this variant is uncertain due to the absence of conclusive functional and genetic evidence.